The following is an entry in ClinVar:

ClinVar aggregate classification (germline): Uncertain significance. Review status: criteria provided, multiple submitters, no conflicts (2 of 4 stars). 2 submissions from 2 submitters: Uncertain significance (2). Last evaluated 2024-05-21.

Conditions:
Familial amyloid nephropathy with urticaria AND deafness (MWS). Also called: UDA SYNDROME; URTICARIA-DEAFNESS-AMYLOIDOSIS SYNDROME; MUCKLE-WELLS SYNDROME; Urticaria, deafness and amyloidosis; CRYOPYRIN-ASSOCIATED PERIODIC SYNDROME 2. Identifiers: Orphanet 575, MedGen C0268390, MONDO:0008633, OMIM 191900.
Hearing loss, autosomal dominant 34, with or without inflammation. Also called: DEAFNESS, AUTOSOMAL DOMINANT 34, WITH OR WITHOUT INFLAMMATION. Identifiers: MedGen C4521680, MONDO:0033261, OMIM 617772.
Keratitis fugax hereditaria. Also called: KERATOENDOTHELIITIS FUGAX HEREDITARIA. Identifiers: Orphanet 647815, MedGen C1835697, MONDO:0007849, OMIM 148200.
Chronic infantile neurological, cutaneous and articular syndrome (CINCA). Also called: CHRONIC NEUROLOGIC CUTANEOUS AND ARTICULAR SYNDROME; CINCA syndrome; Prieur Griscelli syndrome; CRYOPYRIN-ASSOCIATED PERIODIC SYNDROME 3. Identifiers: Orphanet 1451, MedGen C0409818, MONDO:0011776, OMIM 607115.
Familial cold autoinflammatory syndrome 1 (FCAS1). Also called: CRYOPYRIN-ASSOCIATED PERIODIC SYNDROME 1; Familial cold inflammatory syndrome 1. Identifiers: Orphanet 47045, MedGen C4551895, MONDO:0007349, OMIM 120100.

Allele frequency attached by ClinVar (database versions not stated): TOPMed below 0.00001; gnomAD 0.00001.
gnomAD v4.1: 2 of 1,614,100 alleles (0.00012%); no homozygotes.

Submissions (2):

Fulgent Genetics
Classification: Uncertain significance for Familial cold autoinflammatory syndrome 1; Keratitis fugax hereditaria; Familial amyloid nephropathy with urticaria AND deafness; Chronic infantile neurological, cutaneous and articular syndrome; Hearing loss, autosomal dominant 34, with or without inflammation. Last evaluated: 2024-05-21. Review status: criteria provided, single submitter. Criteria: ACMG Guidelines, 2015. Collection method: clinical testing. Allele origin: germline.

GeneDx
Classification: Uncertain significance. Last evaluated: 2021-03-23. Review status: criteria provided, single submitter. Criteria: GeneDx Variant Classification Process June 2021. Collection method: clinical testing. Allele origin: germline. Affected: yes.
Comment: Not observed at a significant frequency in large population cohorts (Lek et al., 2016); In silico analysis supports that this missense variant has a deleterious effect on protein structure/function; Has not been previously reported as pathogenic or benign in patient cohorts to our knowledge; This variant is associated with the following publications: (PMID: 32082075)

NM_001243133.2(NLRP3):c.1839A>T (p.Lys613Asn)

Gene: NLRP3 (NLR family pyrin domain containing 3; plus strand). Cytogenetic location: 1q44.
Variant type: single nucleotide variant.
Coding change: c.1839A>T on transcript NM_001243133.2 (MANE Select); coding-DNA position 1839, A replaced by T.
Protein change: p.Lys613Asn; replaces lysine 613 with asparagine.
Molecular consequence: missense variant.
Genome position (GRCh38, 1-based): chr1:247,425,288, A>T. VCF-style: chr1-247425288-A-T. GRCh37 (hg19) VCF-style: chr1-247588590-A-T.
Other names: c.1839A>T, p.Lys613Asn (NM_001079821.3, NM_001127461.3, NM_001127462.3 and 1 more transcripts); c.1845A>T, p.Lys615Asn (NM_004895.5); short protein forms K615N, K613N.
Identifiers: ClinVar variation 234302 (VCV000234302.4), dbSNP rs876660973, ClinGen allele CA10577234.